The following is an entry in ClinVar:

NM_031229.4(RBCK1):c.1308+1G>T

Gene: RBCK1 (RANBP2-type and C3HC4-type zinc finger containing 1; plus strand). Cytogenetic location: 20p13.
Variant type: single nucleotide variant.
Coding change: c.1308+1G>T on transcript NM_031229.4 (MANE Select); the canonical splice donor site of the intron after coding-DNA position 1308, G replaced by T.
Molecular consequence: splice donor variant.
Genome position (GRCh38, 1-based): chr20:428,590, G>T. VCF-style: chr20-428590-G-T. GRCh37 (hg19) VCF-style: chr20-409234-G-T.
Other names: c.1359+1G>T (NM_001410770.1); c.798+1G>T (NM_001323956.2, NM_001323958.2); c.1182+1G>T (NM_006462.6).
Identifiers: ClinVar variation 489279 (VCV000489279.12), dbSNP rs1555787903, ClinGen allele CA407937654.

ClinVar aggregate classification (germline): Pathogenic/Likely pathogenic. Review status: criteria provided, multiple submitters, no conflicts (2 of 4 stars). 3 submissions from 3 submitters: Pathogenic (2); Likely pathogenic (1). Last evaluated 2025-02-07.

Conditions:
Polyglucosan body myopathy type 1 (PGBM1). Also called: POLYGLUCOSAN BODY MYOPATHY WITHOUT IMMUNODEFICIENCY; Polyglucosan body myopathy 1 with or without immunodeficiency. Identifiers: Orphanet 329173, Orphanet 397937, MedGen C4014605, MONDO:0014389, OMIM 615895.

Allele frequency attached by ClinVar (database versions not stated): gnomAD exomes below 0.00001.

Submissions (3):

3billion
Classification: Pathogenic for Polyglucosan body myopathy type 1. Last evaluated: 2025-02-07. Review status: criteria provided, single submitter. Criteria: ACMG Guidelines, 2015. Collection method: clinical testing. Allele origin: germline. Affected: yes.
Comment: The variant is observed at an extremely low frequency in the gnomAD v4.1.0 dataset (total allele frequency: <0.001%). Predicted Consequence/Location: Canonical splice site: predicted to alter splicing and result in a loss or disruption of normal protein function. Multiple pathogenic loss-of-function variants are reported downstream of the variant. In silico tools predict the variant to alter splicing and produce an abnormal transcript [SpliceAI: 0.99 (spliceogenicity >=0.2, non-spliceogenicity <0.1)]. The variant has been reported at least twice as pathogenic without evidence for the classification (ClinVar ID: VCV000489279). Therefore, this variant is classified as Pathogenic according to the recommendation of ACMG/AMP guideline.

Labcorp Genetics (formerly Invitae), Labcorp
Classification: Pathogenic for Polyglucosan body myopathy type 1. Last evaluated: 2022-05-17. Review status: criteria provided, single submitter. Criteria: Invitae Variant Classification Sherloc (09022015). Collection method: clinical testing. Allele origin: germline.
Comment: For these reasons, this variant has been classified as Pathogenic. Algorithms developed to predict the effect of sequence changes on RNA splicing suggest that this variant may disrupt the consensus splice site. ClinVar contains an entry for this variant (Variation ID: 489279). Disruption of this splice site has been observed in individual(s) with clinical features of polyglucosan body myopathy (Invitae). It has also been observed to segregate with disease in related individuals. This variant is not present in population databases (gnomAD no frequency). This sequence change affects a donor splice site in intron 10 of the RBCK1 gene. It is expected to disrupt RNA splicing. Variants that disrupt the donor or acceptor splice site typically lead to a loss of protein function (PMID: 16199547), and loss-of-function variants in RBCK1 are known to be pathogenic (PMID: 2379848, 23104095, 23889995).

GeneDx
Classification: Likely pathogenic. Last evaluated: 2017-12-29. Review status: criteria provided, single submitter. Criteria: GeneDx Variant Classification (06012015). Collection method: clinical testing. Allele origin: germline. Affected: yes.
Comment: The c.1308+1G>T variant in the RBCK1 gene has not been reported previously as a pathogenic variant nor as a benign variant, to our knowledge. This splice site variant destroys the canonical splice donor site in intron 10. It is predicted to cause abnormal gene splicing, either leading to an abnormal message that is subject to nonsense-mediated mRNA decay, or to an abnormal protein product if the message is used for protein translation. The c.1308+1G>T variant is not observed in large population cohorts (Lek et al., 2016). We interpret c.1308+1G>T as a likely pathogenic variant.

Literature cited by the submitters: PubMed 16199547 (cited by Labcorp Genetics (formerly Invitae), Labcorp); PubMed 2379848 (cited by Labcorp Genetics (formerly Invitae), Labcorp); PubMed 23104095 (cited by Labcorp Genetics (formerly Invitae), Labcorp); PubMed 23889995 (cited by Labcorp Genetics (formerly Invitae), Labcorp).